The following is an entry in ClinVar:

NM_013254.4(TBK1):c.1543A>G (p.Ile515Val)

Gene: TBK1 (TANK binding kinase 1; plus strand). Cytogenetic location: 12q14.2.
Variant type: single nucleotide variant.
Coding change: c.1543A>G on transcript NM_013254.4 (MANE Select); coding-DNA position 1543, A replaced by G.
Protein change: p.Ile515Val; replaces isoleucine 515 with valine.
Molecular consequence: missense variant.
Genome position (GRCh38, 1-based): chr12:64,495,504, A>G. VCF-style: chr12-64495504-A-G. GRCh37 (hg19) VCF-style: chr12-64889284-A-G.
Other names: short protein forms I515V.
Identifiers: ClinVar variation 3637643 (VCV003637643.2).
Genomic context (GRCh38, chr12:64,495,504, plus strand): 5'-CTTTTGGCAATCTGGATCTGAACCTTTGGTTTTATTTAGCTTTCCAGTTCTCAGGGAACA[A>G]TAGAAACCAGTCTTCAGGATATCGACAGCAGATTATCTCCAGGTGGATCACTGGCAGACG-3'
Protein context (NP_037386.1, residues 505-525): LLRLSSSQGT[Ile515Val]ETSLQDIDSR

ClinVar aggregate classification (germline): Uncertain significance (1 of 4 stars; one submission).

Conditions:
Frontotemporal dementia and/or amyotrophic lateral sclerosis 4. Also called: FTDALS4. Identifiers: Orphanet 275872, MedGen C4225325, MONDO:0014641, OMIM 616439.

gnomAD v4.1: 4 of 1,614,040 alleles (0.00025%); highest among the groups gnomAD compares: Admixed American, 0.0017%; no homozygotes.

Submission:

Labcorp Genetics (formerly Invitae), Labcorp
Classification: Uncertain significance for Frontotemporal dementia and/or amyotrophic lateral sclerosis 4. Last evaluated: 2025-01-29. Review status: criteria provided, single submitter. Criteria: Invitae Variant Classification Sherloc (09022015). Collection method: clinical testing. Allele origin: germline.
Comment: This sequence change replaces isoleucine, which is neutral and non-polar, with valine, which is neutral and non-polar, at codon 515 of the TBK1 protein (p.Ile515Val). This variant is present in population databases (no rsID available, gnomAD 0.003%). This variant has not been reported in the literature in individuals affected with TBK1-related conditions. Invitae Evidence Modeling of protein sequence and biophysical properties (such as structural, functional, and spatial information, amino acid conservation, physicochemical variation, residue mobility, and thermodynamic stability) indicates that this missense variant is not expected to disrupt TBK1 protein function with a negative predictive value of 95%. In summary, the available evidence is currently insufficient to determine the role of this variant in disease. Therefore, it has been classified as a Variant of Uncertain Significance.